The following is an entry in ClinVar:

ClinVar aggregate classification (germline): Likely benign (1 of 4 stars; one submission).

Conditions:
Leigh syndrome (NULS). Also called: Leigh's necrotizing encephalopathy; Leigh's disease; Leigh Syndrome (mtDNA deletion); Leigh Disease; Subacute necrotizing encephalopathy; Necrotizing encephalopathy infantile subacute of Leigh. Identifiers: Orphanet 506, MedGen C2931891, MONDO:0009723, OMIM 256000.

Submission:

Wong Mito Lab, Molecular and Human Genetics, Baylor College of Medicine
Classification: Likely benign for Leigh syndrome. Last evaluated: 2019-10-17. Review status: criteria provided, single submitter. Criteria: Modified ACMG Guidelines (Unpublished). Collection method: clinical testing. Allele origin: germline.
Comment: The NC_012920.1:m.5205T>C (YP_003024027.1:p.Ser246Pro) variant in MTND2 gene is interpretated to be a Likely Benign variant based on the modified ACMG guidelines (unpublished). This variant meets the following evidence codes: BS1, BP4

NC_012920.1(MT-ND2):m.5205T>C

Gene: MT-ND2 (mitochondrially encoded NADH dehydrogenase 2; plus strand).
Variant type: single nucleotide variant.
Genome position: chrM-5205-T-C.
Identifiers: ClinVar variation 692556 (VCV000692556.1), dbSNP rs1603219831, ClinGen allele CA414779324.